The following is an entry in ClinVar:

ClinVar aggregate classification (germline): Likely benign (0 of 4 stars; one submission).

Conditions:
MYO7B-related disorder. Also called: MYO7B-related condition.

Submission:

PreventionGenetics, part of Exact Sciences
Classification: Likely benign for MYO7B-related condition. Last evaluated: 2019-07-10. Review status: no assertion criteria provided. Collection method: clinical testing. Allele origin: germline.
Comment: This variant is classified as likely benign based on ACMG/AMP sequence variant interpretation guidelines (Richards et al. 2015 PMID: 25741868, with internal and published modifications).

NM_001393586.1(MYO7B):c.736-6T>A

Gene: MYO7B (myosin VIIB; plus strand). Cytogenetic location: 2q14.3.
Variant type: single nucleotide variant.
Coding change: c.736-6T>A on transcript NM_001393586.1 (MANE Select); 6 bases into the intron before coding-DNA position 736, T replaced by A.
Molecular consequence: intron variant.
Genome position (GRCh38, 1-based): chr2:127,576,589, T>A. VCF-style: chr2-127576589-T-A. GRCh37 (hg19) VCF-style: chr2-128334164-T-A.
Other names: c.736-6T>A (NM_001080527.2).
Identifiers: ClinVar variation 3049776 (VCV003049776.2), dbSNP rs1414285695, ClinGen allele CA535648112.
Genomic context (GRCh38, chr2:127,576,589, plus strand): 5'-CTGAGGCCCTGAGGCCTCAGGGGAATGGCTCATGAATCTGTCTGGAATGCCCTCCCTCCC[T>A]CCCAGGCTCCCGAGGAGCGGAACTACCATATCTTCTACTGCATGCTCATGGGGGTGAGTG-3'